The following is an entry in ClinVar:

ClinVar aggregate classification (germline): Likely benign. Review status: criteria provided, multiple submitters, no conflicts (2 of 4 stars). 3 submissions from 3 submitters: Likely benign (3). Last evaluated 2025-03-27.

Conditions:
Malignant hyperthermia, susceptibility to, 1 (MHS1). Also called: RYR1-Related Malignant Hyperthermia Susceptibility; Malignant hyperthermia suceptibility 1; Anesthesia related hyperthermia; Malignant hyperpyrexia; Fulminating hyperpyrexia; Pharmacogenic myopathy. Identifiers: Orphanet 423, MedGen C2930980, MONDO:0007783, OMIM 145600.
RYR1-related disorder. Also called: RYR1-related condition; RYR1-related disorders. Identifiers: MedGen CN239331.

Allele frequency attached by ClinVar (database versions not stated): gnomAD exomes below 0.00001; ExAC 0.00001; gnomAD 0.00001.
gnomAD v4.1: 2 of 1,613,834 alleles (0.00012%); highest among the groups gnomAD compares: Admixed American, 0.0033%; no homozygotes.

Submissions (3):

Labcorp Genetics (formerly Invitae), Labcorp
Classification: Likely benign for RYR1-related disorder. Last evaluated: 2025-03-27. Review status: criteria provided, single submitter. Criteria: Invitae Variant Classification Sherloc (09022015). Collection method: clinical testing. Allele origin: germline.

All of Us Research Program, National Institutes of Health
Classification: Likely benign for Malignant hyperthermia, susceptibility to, 1. Last evaluated: 2023-12-18. Review status: criteria provided, single submitter. Criteria: ACMG Guidelines, 2015. Collection method: clinical testing. Allele origin: germline. Inheritance: Autosomal dominant inheritance. Observed: 1 variant allele, 1 heterozygote.
Comment: This study involves interpretation of variants in research participants for the purpose of population health screening. Participant phenotype was not available at the time of variant classification. Additional details can be found in publication PMID: 35346344, PMCID: PMC8962531

Blueprint Genetics
Classification: Likely benign. Last evaluated: 2023-09-12. Review status: criteria provided, single submitter. Criteria: ACMG Guidelines, 2015. Collection method: clinical testing. Allele origin: germline.

NM_000540.3(RYR1):c.2073C>T (p.Tyr691=)

Gene: RYR1 (ryanodine receptor 1; plus strand). Cytogenetic location: 19q13.2.
Variant type: single nucleotide variant.
Coding change: c.2073C>T on transcript NM_000540.3 (MANE Select); coding-DNA position 2073, C replaced by T.
Protein change: p.Tyr691=; no amino-acid change (tyrosine 691 retained).
Molecular consequence: synonymous variant.
Genome position (GRCh38, 1-based): chr19:38,458,198, C>T. VCF-style: chr19-38458198-C-T. GRCh37 (hg19) VCF-style: chr19-38948838-C-T.
Other names: c.2073C>T, p.Tyr691= (NM_001042723.2).
Identifiers: ClinVar variation 1594855 (VCV001594855.10), dbSNP rs758187445, ClinGen allele CA062791.